The following is an entry in ClinVar:

NM_001194998.2(CEP152):c.292G>A (p.Gly98Arg)

Gene: CEP152 (centrosomal protein 152; minus strand). Cytogenetic location: 15q21.1.
Variant type: single nucleotide variant.
Coding change: c.292G>A on transcript NM_001194998.2 (MANE Select); coding-DNA position 292, G replaced by A.
Protein change: p.Gly98Arg; replaces glycine 98 with arginine.
Molecular consequence: missense variant.
Genome position (GRCh38, 1-based): chr15:48,797,549, C>T on the plus strand (G>A on the coding strand, the complement: CEP152 is on the minus strand). VCF-style: chr15-48797549-C-T. GRCh37 (hg19) VCF-style: chr15-49089746-C-T.
Other names: c.292G>A, p.Gly98Arg (NM_014985.4); short protein forms G98R.
Identifiers: ClinVar variation 2042962 (VCV002042962.4), dbSNP rs1400338169, ClinGen allele CA392358207.

ClinVar aggregate classification (germline): Uncertain significance (1 of 4 stars; one submission).

Allele frequency attached by ClinVar (database versions not stated): TOPMed below 0.00001; gnomAD 0.00001.

Submission:

Labcorp Genetics (formerly Invitae), Labcorp
Classification: Uncertain significance. Last evaluated: 2022-07-19. Review status: criteria provided, single submitter. Criteria: Invitae Variant Classification Sherloc (09022015). Collection method: clinical testing. Allele origin: germline.
Comment: In summary, the available evidence is currently insufficient to determine the role of this variant in disease. Therefore, it has been classified as a Variant of Uncertain Significance. Algorithms developed to predict the effect of sequence changes on RNA splicing suggest that this variant may disrupt the consensus splice site. Algorithms developed to predict the effect of missense changes on protein structure and function output the following: SIFT: "Tolerated"; PolyPhen-2: "Benign"; Align-GVGD: "Class C0". The arginine amino acid residue is found in multiple mammalian species, which suggests that this missense change does not adversely affect protein function. This variant has not been reported in the literature in individuals affected with CEP152-related conditions. This variant is not present in population databases (gnomAD no frequency). This sequence change replaces glycine, which is neutral and non-polar, with arginine, which is basic and polar, at codon 98 of the CEP152 protein (p.Gly98Arg).